The following is an entry in ClinVar:

NM_000478.6(ALPL):c.1247G>T (p.Gly416Val)

Gene: ALPL (alkaline phosphatase, biomineralization associated; plus strand). Cytogenetic location: 1p36.12.
Variant type: single nucleotide variant.
Coding change: c.1247G>T on transcript NM_000478.6 (MANE Select); coding-DNA position 1247, G replaced by T.
Protein change: p.Gly416Val; replaces glycine 416 with valine.
Molecular consequence: missense variant.
Genome position (GRCh38, 1-based): chr1:21,576,579, G>T. VCF-style: chr1-21576579-G-T. GRCh37 (hg19) VCF-style: chr1-21903072-G-T.
Other names: c.1082G>T, p.Gly361Val (NM_001127501.4); c.1016G>T, p.Gly339Val (NM_001177520.3); c.1247G>T, p.Gly416Val (NM_001369803.2, NM_001369804.2, NM_001369805.2); short protein forms G339V, G361V, G416V.
Identifiers: ClinVar variation 2664936 (VCV002664936.2), dbSNP rs2148192467, ClinGen allele CA338881777.

ClinVar aggregate classification (germline): Likely pathogenic. Review status: criteria provided, multiple submitters, no conflicts (2 of 4 stars). 2 submissions from 2 submitters: Likely pathogenic (2). Last evaluated 2025-08-29.

Conditions:
Hypophosphatasia. Also called: Phosphoethanol-aminuria. Identifiers: Orphanet 436, MedGen C0020630, MeSH D007014, MONDO:0018570.

Submissions (2):

Genomenon, Inc
Classification: Likely pathogenic for Hypophosphatasia. Last evaluated: 2025-08-29. Review status: criteria provided, single submitter. Criteria: Genomenon Sequence Variant Interpretation Standards. Collection method: curation. Allele origin: germline. Affected: yes.
Comment: ALPL p.Gly416Val (c.1247G>T) is a missense variant that changes the amino acid at residue 416 from Glycine to Valine. This variant has been observed in at least one proband affected with hypophosphatasia (PMID:36361766;34712267). It is absent or not present at a significant frequency in gnomAD. In silico models agree that this variant is possibly or probably damaging. In conclusion, we classify ALPL p.Gly416Val (c.1247G>T) as a likely pathogenic variant.

JKU Lab, Dept of Paediatrics, Johannes Kepler University
Classification: Likely pathogenic for Hypophosphatasia. Last evaluated: 2023-06-20. Review status: criteria provided, single submitter. Criteria: ACMG Guidelines, 2015. Collection method: clinical testing. Allele origin: germline. Affected: yes. Observed: 1 compound heterozygote.
Comment: Absent in GnomAD.

Literature cited by the submitters: PubMed 36361766 (cited by Genomenon, Inc); PubMed 34712267 (cited by Genomenon, Inc and JKU Lab, Dept of Paediatrics, Johannes Kepler University).